The following is an entry in ClinVar:

ClinVar aggregate classification (germline): Uncertain significance (1 of 4 stars; one submission).

Allele frequency attached by ClinVar (database versions not stated): gnomAD exomes below 0.00001; TOPMed 0.00001; ESP Exome Variant Server 0.00008.
gnomAD v4.1: 3 of 1,613,430 alleles (0.00019%); highest among the groups gnomAD compares: Non-Finnish European, 0.00025%; no homozygotes.

Submission:

Labcorp Genetics (formerly Invitae), Labcorp
Classification: Uncertain significance. Last evaluated: 2024-03-11. Review status: criteria provided, single submitter. Criteria: Invitae Variant Classification Sherloc (09022015). Collection method: clinical testing. Allele origin: germline.
Comment: This sequence change replaces histidine, which is basic and polar, with tyrosine, which is neutral and polar, at codon 536 of the HACE1 protein (p.His536Tyr). This variant is not present in population databases (gnomAD no frequency). This variant has not been reported in the literature in individuals affected with HACE1-related conditions. ClinVar contains an entry for this variant (Variation ID: 1430085). Advanced modeling of protein sequence and biophysical properties (such as structural, functional, and spatial information, amino acid conservation, physicochemical variation, residue mobility, and thermodynamic stability) performed at Invitae indicates that this missense variant is not expected to disrupt HACE1 protein function with a negative predictive value of 80%. In summary, the available evidence is currently insufficient to determine the role of this variant in disease. Therefore, it has been classified as a Variant of Uncertain Significance.

NM_020771.4(HACE1):c.1606C>T (p.His536Tyr)

Gene: HACE1 (HECT domain and ankyrin repeat containing E3 ubiquitin protein ligase 1; minus strand). Cytogenetic location: 6q16.3.
Variant type: single nucleotide variant.
Coding change: c.1606C>T on transcript NM_020771.4 (MANE Select); coding-DNA position 1606, C replaced by T.
Protein change: p.His536Tyr; replaces histidine 536 with tyrosine.
Molecular consequence: missense variant. On other transcripts: non-coding transcript variant (7).
Genome position (GRCh38, 1-based): chr6:104,777,278, G>A on the plus strand (C>T on the coding strand, the complement: HACE1 is on the minus strand). VCF-style: chr6-104777278-G-A. GRCh37 (hg19) VCF-style: chr6-105225153-G-A.
Other names: c.1474C>T, p.His492Tyr (NM_001321080.2); c.1504C>T, p.His502Tyr (NM_001321083.2); c.1102C>T, p.His368Tyr (NM_001321084.2, NM_001350557.2, NM_001350558.2); c.1372C>T, p.His458Tyr (NM_001350554.2); c.1315C>T, p.His439Tyr (NM_001350555.2); c.1120C>T, p.His374Tyr (NM_001350556.2); c.1024C>T, p.His342Tyr (NM_001350559.2); c.823C>T, p.His275Tyr (NM_001350560.2); short protein forms H458Y, H275Y, H342Y, H368Y, H492Y, H536Y, H374Y, H439Y.
Identifiers: ClinVar variation 1430085 (VCV001430085.8), dbSNP rs147607852, ClinGen allele CA144904458.